The following is an entry in ClinVar:

NM_144997.7(FLCN):c.1300+4C>G

Gene: FLCN (folliculin; minus strand). Cytogenetic location: 17p11.2.
Variant type: single nucleotide variant.
Coding change: c.1300+4C>G on transcript NM_144997.7 (MANE Select); 4 bases into the intron after coding-DNA position 1300, C replaced by G.
Molecular consequence: intron variant.
Genome position (GRCh38, 1-based): chr17:17,216,376, G>C on the plus strand (C>G on the coding strand, the complement: FLCN is on the minus strand). VCF-style: chr17-17216376-G-C. GRCh37 (hg19) VCF-style: chr17-17119690-G-C.
Other names: c.1300+4C>G (NM_001353231.2, NM_001353230.2); c.1354+4C>G (NM_001353229.2).
Identifiers: ClinVar variation 1402906 (VCV001402906.9), dbSNP rs1207963576, ClinGen allele CA2573153074.

ClinVar aggregate classification (germline): Uncertain significance (1 of 4 stars; one submission).

Conditions:
Birt-Hogg-Dube syndrome. Also called: Birt Hogg Dubé syndrome. Identifiers: Orphanet 122, MedGen C0346010, MONDO:0800444.

Submission:

Labcorp Genetics (formerly Invitae), Labcorp
Classification: Uncertain significance for Birt-Hogg-Dube syndrome. Last evaluated: 2024-09-15. Review status: criteria provided, single submitter. Criteria: Invitae Variant Classification Sherloc (09022015). Collection method: clinical testing. Allele origin: germline.
Comment: This sequence change falls in intron 11 of the FLCN gene. It does not directly change the encoded amino acid sequence of the FLCN protein. It affects a nucleotide within the consensus splice site. This variant is not present in population databases (gnomAD no frequency). This variant has not been reported in the literature in individuals affected with FLCN-related conditions. ClinVar contains an entry for this variant (Variation ID: 1402906). Variants that disrupt the consensus splice site are a relatively common cause of aberrant splicing (PMID: 17576681, 9536098). Algorithms developed to predict the effect of sequence changes on RNA splicing suggest that this variant is not likely to affect RNA splicing. In summary, the available evidence is currently insufficient to determine the role of this variant in disease. Therefore, it has been classified as a Variant of Uncertain Significance.

Literature cited by the submitters: PubMed 17576681; PubMed 9536098.